The following is an entry in ClinVar:

NM_002693.3(POLG):c.3049G>A (p.Gly1017Ser)

Gene: POLG (DNA polymerase gamma, catalytic subunit; minus strand). Cytogenetic location: 15q26.1.
Variant type: single nucleotide variant.
Coding change: c.3049G>A on transcript NM_002693.3 (MANE Select); coding-DNA position 3049, G replaced by A.
Protein change: p.Gly1017Ser; replaces glycine 1017 with serine.
Molecular consequence: missense variant.
Genome position (GRCh38, 1-based): chr15:89,319,283, C>T on the plus strand (G>A on the coding strand, the complement: POLG is on the minus strand). VCF-style: chr15-89319283-C-T. GRCh37 (hg19) VCF-style: chr15-89862514-C-T.
Other names: c.3049G>A, p.Gly1017Ser (NM_001126131.2); short protein forms G1017S.
Identifiers: ClinVar variation 2973663 (VCV002973663.4), dbSNP rs2509210239, ClinGen allele CA393751362.

ClinVar aggregate classification (germline): Uncertain significance. Review status: criteria provided, multiple submitters, no conflicts (2 of 4 stars). 2 submissions from 2 submitters: Uncertain significance (2). Last evaluated 2024-04-10.

Conditions:
Progressive sclerosing poliodystrophy (MTDPS4A). Also called: ALPERS DIFFUSE DEGENERATION OF CEREBRAL GRAY MATTER WITH HEPATIC CIRRHOSIS; Alpers-Huttenlocher Syndrome; Mitochondrial DNA depletion syndrome 4A (Alpers type); ALPERS PROGRESSIVE INFANTILE POLIODYSTROPHY; NEURONAL DEGENERATION OF CHILDHOOD WITH LIVER DISEASE, PROGRESSIVE; Mitochondrial DNA Depletion Syndrome 4A. Identifiers: Orphanet 726, MedGen C0205710, MONDO:0008758, OMIM 203700.

Allele frequency attached by ClinVar (database versions not stated): gnomAD exomes below 0.00001.
gnomAD v4.1: 2 of 1,614,186 alleles (0.00012%); highest among the groups gnomAD compares: Non-Finnish European, 0.00017%; no homozygotes.

Submissions (2):

Blueprint Genetics
Classification: Uncertain significance. Last evaluated: 2024-04-10. Review status: criteria provided, single submitter. Criteria: ACMG Guidelines, 2015. Collection method: clinical testing. Allele origin: germline.

Labcorp Genetics (formerly Invitae), Labcorp
Classification: Uncertain significance for Progressive sclerosing poliodystrophy. Last evaluated: 2023-02-16. Review status: criteria provided, single submitter. Criteria: Invitae Variant Classification Sherloc (09022015). Collection method: clinical testing. Allele origin: germline.
Comment: This sequence change replaces glycine, which is neutral and non-polar, with serine, which is neutral and polar, at codon 1017 of the POLG protein (p.Gly1017Ser). This variant is not present in population databases (gnomAD no frequency). This variant has not been reported in the literature in individuals affected with POLG-related conditions. Advanced modeling of protein sequence and biophysical properties (such as structural, functional, and spatial information, amino acid conservation, physicochemical variation, residue mobility, and thermodynamic stability) performed at Invitae indicates that this missense variant is not expected to disrupt POLG protein function. In summary, the available evidence is currently insufficient to determine the role of this variant in disease. Therefore, it has been classified as a Variant of Uncertain Significance.